The following is an entry in ClinVar:

ClinVar aggregate classification (germline): Uncertain significance. Review status: criteria provided, multiple submitters, no conflicts (2 of 4 stars). 2 submissions from 2 submitters: Uncertain significance (2). Last evaluated 2025-05-23.

Conditions:
Inborn genetic diseases. Identifiers: MedGen C0950123, MeSH D030342.

Submissions (2):

Ambry Genetics
Classification: Uncertain significance for Inborn genetic diseases. Last evaluated: 2025-05-23. Review status: criteria provided, single submitter. Criteria: Ambry Variant Classification Scheme 2023. Collection method: clinical testing. Allele origin: germline.
Comment: The p.P1461A variant (also known as c.4381C>G), located in coding exon 13 of the ASXL1 gene, results from a C to G substitution at nucleotide position 4381. The proline at codon 1461 is replaced by alanine, an amino acid with highly similar properties. This amino acid position is conserved. In addition, this alteration is predicted to be tolerated by in silico analysis. Based on the available evidence, the clinical significance of this variant remains unclear.

Labcorp Genetics (formerly Invitae), Labcorp
Classification: Uncertain significance. Last evaluated: 2024-04-24. Review status: criteria provided, single submitter. Criteria: Invitae Variant Classification Sherloc (09022015). Collection method: clinical testing. Allele origin: germline.
Comment: This sequence change replaces proline, which is neutral and non-polar, with alanine, which is neutral and non-polar, at codon 1461 of the ASXL1 protein (p.Pro1461Ala). This variant is not present in population databases (gnomAD no frequency). This variant has not been reported in the literature in individuals affected with ASXL1-related conditions. Algorithms developed to predict the effect of missense changes on protein structure and function output the following: SIFT: "Not Available"; PolyPhen-2: "Benign"; Align-GVGD: "Not Available". The alanine amino acid residue is found in multiple mammalian species, which suggests that this missense change does not adversely affect protein function. In summary, the available evidence is currently insufficient to determine the role of this variant in disease. Therefore, it has been classified as a Variant of Uncertain Significance.

NM_015338.6(ASXL1):c.4381C>G (p.Pro1461Ala)

Gene: ASXL1 (ASXL transcriptional regulator 1; plus strand). Cytogenetic location: 20q11.21.
Variant type: single nucleotide variant.
Coding change: c.4381C>G on transcript NM_015338.6 (MANE Select); coding-DNA position 4381, C replaced by G.
Protein change: p.Pro1461Ala; replaces proline 1461 with alanine.
Molecular consequence: missense variant.
Genome position (GRCh38, 1-based): chr20:32,437,093, C>G. VCF-style: chr20-32437093-C-G. GRCh37 (hg19) VCF-style: chr20-31024896-C-G.
Other names: c.4198C>G, p.Pro1400Ala (NM_001363734.1); short protein forms P1461A, P1400A.
Identifiers: ClinVar variation 3650691 (VCV003650691.3).